The following is an entry in ClinVar:

NM_002439.5(MSH3):c.1459C>A (p.Gln487Lys)

Gene: MSH3 (mutS homolog 3; plus strand). Cytogenetic location: 5q14.1.
Variant type: single nucleotide variant.
Coding change: c.1459C>A on transcript NM_002439.5 (MANE Select); coding-DNA position 1459, C replaced by A.
Protein change: p.Gln487Lys; replaces glutamine 487 with lysine.
Molecular consequence: missense variant.
Genome position (GRCh38, 1-based): chr5:80,728,856, C>A. VCF-style: chr5-80728856-C-A. GRCh37 (hg19) VCF-style: chr5-80024675-C-A.
Other names: short protein forms Q487K.
Identifiers: ClinVar variation 3723851 (VCV003723851.2).

ClinVar aggregate classification (germline): Uncertain significance (1 of 4 stars; one submission).

gnomAD v4.1: 1 of 1,571,848 alleles (0.000064%); highest among the groups gnomAD compares: South Asian, 0.0011%; no homozygotes.

Submission:

Labcorp Genetics (formerly Invitae), Labcorp
Classification: Uncertain significance. Last evaluated: 2024-10-27. Review status: criteria provided, single submitter. Criteria: Invitae Variant Classification Sherloc (09022015). Collection method: clinical testing. Allele origin: germline.
Comment: This sequence change replaces glutamine, which is neutral and polar, with lysine, which is basic and polar, at codon 487 of the MSH3 protein (p.Gln487Lys). This variant is not present in population databases (gnomAD no frequency). This variant has not been reported in the literature in individuals affected with MSH3-related conditions. An algorithm developed to predict the effect of missense changes on protein structure and function outputs the following: PolyPhen-2: "Benign". The lysine amino acid residue is found in multiple mammalian species, which suggests that this missense change does not adversely affect protein function. In summary, the available evidence is currently insufficient to determine the role of this variant in disease. Therefore, it has been classified as a Variant of Uncertain Significance.